The following is an entry in ClinVar:

ClinVar aggregate classification (germline): Likely benign. Review status: criteria provided, multiple submitters, no conflicts (2 of 4 stars). 4 submissions from 4 submitters: Likely benign (3). 1 of the submissions does not count toward it. Last evaluated 2026-01-05.

Conditions:
CTNNB1-related disorder. Also called: CTNNB1-related condition.

Submissions (4):

Labcorp Genetics (formerly Invitae), Labcorp
Classification: Likely benign. Last evaluated: 2026-01-05. Review status: criteria provided, single submitter. Criteria: Invitae Variant Classification Sherloc (09022015). Collection method: clinical testing. Allele origin: germline.

Women's Health and Genetics/Laboratory Corporation of America, LabCorp
Classification: Likely benign. Last evaluated: 2025-07-02. Review status: criteria provided, single submitter. Criteria: LabCorp Variant Classification Summary - May 2015. Collection method: clinical testing. Allele origin: germline.
Comment: Variant summary: CTNNB1 c.735-7_735-5delTTC alters a nucleotide located at a position not widely known to affect splicing. Consensus agreement among computation tools predict no significant impact on normal splicing. However, these predictions have yet to be confirmed by functional studies. The variant allele was found at a frequency of 2e-05 in 250544 control chromosomes. The available data on variant occurrences in the general population are insufficient to allow any conclusion about variant significance. To our knowledge, no occurrence of c.735-7_735-5delTTC in individuals affected with Severe Intellectual Disability-Progressive Spastic Diplegia Syndrome and no experimental evidence demonstrating its impact on protein function have been reported. ClinVar contains an entry for this variant (Variation ID: 3053835). Based on the evidence outlined above, the variant was classified as likely benign.

GeneDx
Classification: Likely benign. Last evaluated: 2023-12-06. Review status: criteria provided, single submitter. Criteria: GeneDx Variant Classification Process June 2021. Collection method: clinical testing. Allele origin: germline. Affected: yes.
Comment: See Variant Classification Assertion Criteria.

PreventionGenetics, part of Exact Sciences
Classification: Likely benign for CTNNB1-related condition. Last evaluated: 2024-01-10. Review status: no assertion criteria provided. Collection method: clinical testing. Allele origin: germline. Not counted in ClinVar's aggregate classification.
Comment: This variant is classified as likely benign based on ACMG/AMP sequence variant interpretation guidelines (Richards et al. 2015 PMID: 25741868, with internal and published modifications).

NM_001904.4(CTNNB1):c.735-13TTC[2]

Gene: CTNNB1 (catenin beta 1; plus strand). Cytogenetic location: 3p22.1.
Variant type: Microsatellite.
Coding change: c.735-13TTC[2] on transcript NM_001904.4 (MANE Select); two copies in a row of the 3-base unit TTC starting at c.735-13; the reference has three copies in a row; one copy, 3 bases deleted.
Molecular consequence: intron variant.
Genome position (GRCh38, 1-based): chr3:41,225,653-41,225,655, TTC deleted; deleting any 3 consecutive bases within chr3:41,225,647-41,225,655 gives the same sequence; the position shown is the placement nearest the transcript's 3' end. VCF-style (leftmost placement, unchanged base first): chr3-41225646-TTTC-T. GRCh37 (hg19) VCF-style: chr3-41267137-TTTC-T.
Other names: c.714-13TTC[2] (NM_001330729.2); c.735-13TTC[2] (NM_001098209.2, NM_001098210.2); c.735-7_735-5delTTC (NM_001904.4).
Identifiers: ClinVar variation 3053835 (VCV003053835.6), dbSNP rs768951985, ClinGen allele CA2330973.